The following is an entry in ClinVar:

NM_001365951.3(KIF1B):c.*1503C>T

Gene: KIF1B (kinesin family member 1B; plus strand). Cytogenetic location: 1p36.22.
Variant type: single nucleotide variant.
Coding change: c.*1503C>T on transcript NM_001365951.3 (MANE Select); 1503 bases downstream of the stop codon, C replaced by T.
Molecular consequence: 3 prime UTR variant.
Genome position (GRCh38, 1-based): chr1:10,378,090, C>T. VCF-style: chr1-10378090-C-T. GRCh37 (hg19) VCF-style: chr1-10438148-C-T.
Other names: c.*1503C>T (NM_001365952.1, NM_015074.3).
Identifiers: ClinVar variation 876183 (VCV000876183.4), dbSNP rs116167243, ClinGen allele CA17858572.

ClinVar aggregate classification (germline): Benign (1 of 4 stars; one submission).

Conditions:
Neuroblastoma (NB). Identifiers: Orphanet 635, MedGen C0027819, MeSH D009447, MONDO:0005072, HP:0003006.

Allele frequency attached by ClinVar (database versions not stated): gnomAD exomes 0.00054; 1000 Genomes Project 0.00459; gnomAD 0.00531 and 0.00570; 1000 Genomes Project 30x 0.00547; TOPMed 0.00597.
gnomAD v4.1: 989 of 487,376 alleles (0.2%); highest among the groups gnomAD compares: African/African-American, 1.8%; 15 homozygotes.

Submission:

Illumina Laboratory Services, Illumina
Classification: Benign for Neuroblastoma. Last evaluated: 2018-01-13. Review status: criteria provided, single submitter. Criteria: ICSL Variant Classification Criteria 13 December 2019. Collection method: clinical testing. Allele origin: germline.
Comment: This variant was observed in the ICSL laboratory as part of a predisposition screen in an ostensibly healthy population. It had not been previously curated by ICSL or reported in the Human Gene Mutation Database (HGMD: prior to June 1st, 2018), and was therefore a candidate for classification through an automated scoring system. Utilizing variant allele frequency, disease prevalence and penetrance estimates, and inheritance mode, an automated score was calculated to assess if this variant is too frequent to cause the disease. Based on the score and internal cut-off values, a variant classified as benign is not then subjected to further curation. The score for this variant resulted in a classification of benign for this disease.